The following is an entry in ClinVar:

ClinVar aggregate classification (germline): Likely pathogenic (1 of 4 stars; one submission).

Conditions:
Deficiency of beta-ureidopropionase (UPB1D). Also called: Beta-ureidopropionase deficiency. Identifiers: Orphanet 65287, MedGen C1291512, MONDO:0013164, OMIM 613161.

Submission:

Juno Genomics, Hangzhou Juno Genomics, Inc
Classification: Likely pathogenic for Deficiency of beta-ureidopropionase. Review status: criteria provided, single submitter. Criteria: ACMG Guidelines, 2015. Collection method: clinical testing. Allele origin: germline.
Comment: Absent from controls (or at extremely low frequency if recessive) in Genome Aggregation Database.;Null variant in a gene where loss of function (LOF) is a known mechanism of disease.

NM_016327.3(UPB1):c.593_597dup (p.Pro200fs)

Gene: UPB1 (beta-ureidopropionase 1; plus strand). Cytogenetic location: 22q11.23.
Variant type: Duplication.
Coding change: c.593_597dup on transcript NM_016327.3 (MANE Select); coding-DNA positions 593 to 597, 5 bases duplicated (ACATC; older notation c.593_597dupACATC).
Protein change: p.Pro200fs; shifts the reading frame from proline 200.
Molecular consequence: frameshift variant.
Genome position (GRCh38, 1-based): chr22:24,513,457-24,513,461, ACATC duplicated; duplicating any 5 consecutive bases within chr22:24,513,456-24,513,461 gives the same sequence; the c. name uses the placement nearest the transcript's 3' end. VCF-style (leftmost placement, unchanged base first): chr22-24513455-C-CCACAT. GRCh37 (hg19) VCF-style: chr22-24909423-C-CCACAT.
Other names: short protein forms P200fs.
Identifiers: ClinVar variation 5019055 (VCV005019055.2).
Genomic context (GRCh38, chr22:24,513,455, plus strand): 5'-GTGGAATACAGCCGTGGTGATCTCCAATTCCGGAGCAGTCCTGGGAAAGACCAGGAAAAA[C>CCACAT]CACATCCCCAGAGTGGGTGATTTCAACGAGGTGAGCCACCCATAAGATAGATAACCAGCC-3'